The following is an entry in ClinVar:

NM_017617.5(NOTCH1):c.7366A>G (p.Ile2456Val)

Gene: NOTCH1 (notch receptor 1; minus strand). Cytogenetic location: 9q34.3.
Variant type: single nucleotide variant.
Coding change: c.7366A>G on transcript NM_017617.5 (MANE Select); coding-DNA position 7366, A replaced by G.
Protein change: p.Ile2456Val; replaces isoleucine 2456 with valine.
Molecular consequence: missense variant.
Genome position (GRCh38, 1-based): chr9:136,496,373, T>C on the plus strand (A>G on the coding strand, the complement: NOTCH1 is on the minus strand). VCF-style: chr9-136496373-T-C. GRCh37 (hg19) VCF-style: chr9-139390825-T-C.
Other names: c.7366A>G (NM_017617.4); c.7366A>G, p.Ile2456Val (LRG_1122t1); short protein forms I2456V.
Identifiers: ClinVar variation 567414 (VCV000567414.8), dbSNP rs777934565, ClinGen allele CA5339689.

ClinVar aggregate classification (germline): Conflicting classifications of pathogenicity. Review status: criteria provided, conflicting classifications (1 of 4 stars). 3 submissions from 3 submitters: Uncertain significance (1); Likely benign (2). Last evaluated 2025-10-01.

Conditions:
Adams-Oliver syndrome 5 (AOS5). Identifiers: Orphanet 974, MedGen C4014970, MONDO:0014459, OMIM 616028.
NOTCH1-related disorder. Also called: NOTCH1-related condition; NOTCH1-related disorders.
Familial thoracic aortic aneurysm and aortic dissection (TAAD). Also called: Thoracic aortic aneurysms and dissections. Identifiers: Orphanet 91387, MedGen C4707243, MONDO:0019625.

Allele frequency attached by ClinVar (database versions not stated): gnomAD exomes 0.00001 and 0.00005; TOPMed 0.00002; ExAC 0.00006.
gnomAD v4.1: 12 of 1,595,640 alleles (0.00075%); highest among the groups gnomAD compares: East Asian, 0.018%; no homozygotes.

Submissions (3):

PreventionGenetics, part of Exact Sciences
Classification: Uncertain significance for NOTCH1-related condition. Last evaluated: 2025-10-01. Review status: criteria provided, single submitter. Criteria: ACMG Guidelines, 2015. Collection method: clinical testing. Allele origin: germline.
Comment: The NOTCH1 c.7366A>G variant is predicted to result in the amino acid substitution p.Ile2456Val. To our knowledge, this variant has not been reported in the literature. This variant is reported in 0.048% of alleles in individuals of East Asian descent in gnomAD. Although we suspect that this variant may be benign, at this time, the clinical significance of this variant is uncertain due to the absence of conclusive functional and genetic evidence.

Ambry Genetics
Classification: Likely benign for Familial thoracic aortic aneurysm and aortic dissection. Last evaluated: 2025-03-26. Review status: criteria provided, single submitter. Criteria: Ambry Variant Classification Scheme 2023. Collection method: clinical testing. Allele origin: germline.

Labcorp Genetics (formerly Invitae), Labcorp
Classification: Likely benign for Adams-Oliver syndrome 5. Last evaluated: 2024-06-21. Review status: criteria provided, single submitter. Criteria: Invitae Variant Classification Sherloc (09022015). Collection method: clinical testing. Allele origin: germline.